The following is an entry in ClinVar:

NC_000007.13:g.(?_142459615)_(142460871_?)dup

Genes: PRSS1 (serine protease 1; plus strand), TRB (T cell receptor beta locus; plus strand). Cytogenetic location: 7q34.
Variant type: Duplication.
Identifiers: ClinVar variation 1068176 (VCV001068176.8).

ClinVar aggregate classification (germline): Likely pathogenic (1 of 4 stars; one submission).

Conditions:
Hereditary pancreatitis (PCTT). Also called: PRSS1-Related Hereditary Pancreatitis; Hereditary chronic pancreatitis. Identifiers: Orphanet 676, MedGen C0238339, MONDO:0008185, OMIM 167800.

Submission:

Labcorp Genetics (formerly Invitae), Labcorp
Classification: Likely pathogenic for Hereditary pancreatitis. Last evaluated: 2022-05-09. Review status: criteria provided, single submitter. Criteria: Invitae Variant Classification Sherloc (09022015). Collection method: clinical testing. Allele origin: germline.
Comment: This variant results in a copy number gain of the genomic region encompassing exon(s) 3-5 of the PRSS1 gene. This region includes the termination codon of the gene. This copy number gain extends beyond the assayed region for this gene and therefore may encompass additional genes. As the precise location of this event is unknown, it may be in tandem or it may be located elsewhere in the genome. A similar copy number variant has been observed in individual(s) with chronic pancreatitis (PMID: 18461367; Invitae). It has also been observed to segregate with disease in related individuals. In summary, the currently available evidence indicates that the variant is pathogenic, but additional data are needed to prove that conclusively. Therefore, this variant has been classified as Likely Pathogenic.

Literature cited by the submitters: PubMed 18461367.